The following is an entry in ClinVar:

NM_001379286.1(ZNF423):c.940G>A (p.Asp314Asn)

Gene: ZNF423 (zinc finger protein 423; minus strand). Cytogenetic location: 16q12.1.
Variant type: single nucleotide variant.
Coding change: c.940G>A on transcript NM_001379286.1 (MANE Select); coding-DNA position 940, G replaced by A.
Protein change: p.Asp314Asn; replaces aspartic acid 314 with asparagine.
Molecular consequence: missense variant.
Genome position (GRCh38, 1-based): chr16:49,638,236, C>T on the plus strand (G>A on the coding strand, the complement: ZNF423 is on the minus strand). VCF-style: chr16-49638236-C-T. GRCh37 (hg19) VCF-style: chr16-49672147-C-T.
Other names: c.736G>A, p.Asp246Asn (NM_001271620.2); c.565G>A, p.Asp189Asn (NM_001330533.2); c.916G>A, p.Asp306Asn (NM_015069.5); c.916G>A (NM_015069.2); short protein forms D246N, D306N, D189N, D314N.
Identifiers: ClinVar variation 1402395 (VCV001402395.7), dbSNP rs763435948, ClinGen allele CA8046784.

ClinVar aggregate classification (germline): Uncertain significance. Review status: criteria provided, multiple submitters, no conflicts (2 of 4 stars). 2 submissions from 2 submitters: Uncertain significance (2). Last evaluated 2025-08-28.

Conditions:
Nephronophthisis 14 (NPHP14). Identifiers: Orphanet 2318, MedGen C3539071, MONDO:0013916, OMIM 614844.

Allele frequency attached by ClinVar (database versions not stated): gnomAD exomes below 0.00001 and 0.00001; TOPMed below 0.00001; gnomAD 0.00001; ExAC 0.00002.
gnomAD v4.1: 7 of 1,610,102 alleles (0.00043%); highest among the groups gnomAD compares: East Asian, 0.0022%; no homozygotes.

Submissions (2):

Ambry Genetics
Classification: Uncertain significance. Last evaluated: 2025-08-28. Review status: criteria provided, single submitter. Criteria: Ambry Variant Classification Scheme 2023. Collection method: clinical testing. Allele origin: germline.

Labcorp Genetics (formerly Invitae), Labcorp
Classification: Uncertain significance for Nephronophthisis 14. Last evaluated: 2023-07-06. Review status: criteria provided, single submitter. Criteria: Invitae Variant Classification Sherloc (09022015). Collection method: clinical testing. Allele origin: germline.
Comment: This sequence change replaces aspartic acid, which is acidic and polar, with asparagine, which is neutral and polar, at codon 306 of the ZNF423 protein (p.Asp306Asn). This variant is present in population databases (rs763435948, gnomAD 0.003%). This variant has not been reported in the literature in individuals affected with ZNF423-related conditions. ClinVar contains an entry for this variant (Variation ID: 1402395). Advanced modeling of protein sequence and biophysical properties (such as structural, functional, and spatial information, amino acid conservation, physicochemical variation, residue mobility, and thermodynamic stability) performed at Invitae indicates that this missense variant is not expected to disrupt ZNF423 protein function. In summary, the available evidence is currently insufficient to determine the role of this variant in disease. Therefore, it has been classified as a Variant of Uncertain Significance.